The following is an entry in ClinVar:

ClinVar aggregate classification (germline): Uncertain significance (1 of 4 stars; one submission).

Submission:

GeneDx
Classification: Uncertain significance. Last evaluated: 2024-08-16. Review status: criteria provided, single submitter. Criteria: GeneDx Variant Classification Process June 2021. Collection method: clinical testing. Allele origin: germline. Affected: yes.
Comment: Not observed at significant frequency in large population cohorts (gnomAD); Has not been previously published as pathogenic or benign to our knowledge; In silico analysis is inconclusive as to whether the variant alters gene splicing. In the absence of RNA/functional studies, the actual effect of this sequence change is unknown.

NM_017547.4(FOXRED1):c.537-13dup

Gene: FOXRED1 (FAD dependent oxidoreductase domain containing 1; plus strand). Cytogenetic location: 11q24.2.
Variant type: Duplication.
Coding change: c.537-13dup on transcript NM_017547.4 (MANE Select); 13 bases into the intron before coding-DNA position 537, one base duplicated (A; older notation c.537-13dupA).
Molecular consequence: intron variant.
Genome position (GRCh38, 1-based): chr11:126,274,914, A duplicated. VCF-style (leftmost placement, unchanged base first): chr11-126274913-C-CA. GRCh37 (hg19) VCF-style: chr11-126144808-C-CA.
Other names: c.27-13dup (NM_001425168.1, NM_001425170.1, NM_001425169.1); c.567-13dup (NM_001425160.1); c.541-17dup (NM_001425161.1); c.537-13dup (NM_001425165.1, NM_001425166.1, NM_001425163.1 and 1 more transcripts); c.-21-17dup (NM_001425171.1, NM_001425172.1); c.-2-413dup (NM_001425174.1, NM_001425175.1, NM_001425173.1); c.534-13dup (NM_001425164.1).
Identifiers: ClinVar variation 3731112 (VCV003731112.1).
Genomic context (GRCh38, chr11:126,274,913, plus strand): 5'-TTGGGGTCCATACATCATCCCCCTGCACACTCCCCTCTCTGACACACATACACCGACCCA[C>CA]ACGTTTATCTCAGGCAGGAGGGAGCCAAAGTTTCTCTGATGTCTCCTGATCAGCTTCGGA-3'